The following is an entry in ClinVar:

ClinVar aggregate classification (germline): Uncertain significance. Review status: criteria provided, multiple submitters, no conflicts (2 of 4 stars). 2 submissions from 2 submitters: Uncertain significance (2). Last evaluated 2025-03-02.

Conditions:
Brachyolmia-amelogenesis imperfecta syndrome. Also called: PLATYSPONDYLY WITH AMELOGENESIS IMPERFECTA; Tooth agenesis, selective, 6; Dental anomalies and short stature. Identifiers: Orphanet 2899, MedGen C1832594, MONDO:0011018, OMIM 601216. Disease mechanism: loss of function.
Inborn genetic diseases. Identifiers: MedGen C0950123, MeSH D030342.

gnomAD v4.1: 1 of 1,569,902 alleles (0.000064%); highest among the groups gnomAD compares: Admixed American, 0.0019%; no homozygotes.

Submissions (2):

Ambry Genetics
Classification: Uncertain significance for Inborn genetic diseases. Last evaluated: 2025-03-02. Review status: criteria provided, single submitter. Criteria: Ambry Variant Classification Scheme 2023. Collection method: clinical testing. Allele origin: germline.
Comment: The p.R1059C variant (also known as c.3175C>T), located in coding exon 23 of the LTBP3 gene, results from a C to T substitution at nucleotide position 3175. The arginine at codon 1059 is replaced by cysteine, an amino acid with highly dissimilar properties. This amino acid position is conserved. In addition, this alteration is predicted to be deleterious by in silico analysis. Based on the available evidence, the clinical significance of this variant remains unclear.

Labcorp Genetics (formerly Invitae), Labcorp
Classification: Uncertain significance for Brachyolmia-amelogenesis imperfecta syndrome. Last evaluated: 2022-07-20. Review status: criteria provided, single submitter. Criteria: Invitae Variant Classification Sherloc (09022015). Collection method: clinical testing. Allele origin: germline.
Comment: This sequence change replaces arginine, which is basic and polar, with cysteine, which is neutral and slightly polar, at codon 1059 of the LTBP3 protein (p.Arg1059Cys). The frequency data for this variant in the population databases is considered unreliable, as metrics indicate poor data quality at this position in the gnomAD database. This variant has not been reported in the literature in individuals affected with LTBP3-related conditions. Algorithms developed to predict the effect of missense changes on protein structure and function are either unavailable or do not agree on the potential impact of this missense change (SIFT: "Tolerated"; PolyPhen-2: "Probably Damaging"; Align-GVGD: "Class C0"). In summary, the available evidence is currently insufficient to determine the role of this variant in disease. Therefore, it has been classified as a Variant of Uncertain Significance.

NM_001130144.3(LTBP3):c.3175C>T (p.Arg1059Cys)

Genes: LTBP3 (latent transforming growth factor beta binding protein 3; minus strand), LOC121832793 (Sharpr-MPRA regulatory region 4001; plus strand). Cytogenetic location: 11q13.1.
Variant type: single nucleotide variant.
Coding change: c.3175C>T on transcript NM_001130144.3 (MANE Select); coding-DNA position 3175, C replaced by T.
Protein change: p.Arg1059Cys; replaces arginine 1059 with cysteine.
Molecular consequence: missense variant.
Genome position (GRCh38, 1-based): chr11:65,540,314, G>A on the plus strand (C>T on the coding strand, the complement: LTBP3 is on the minus strand). VCF-style: chr11-65540314-G-A. GRCh37 (hg19) VCF-style: chr11-65307785-G-A.
Other names: c.2824C>T, p.Arg942Cys (NM_001164266.1); c.3175C>T, p.Arg1059Cys (NM_021070.4); c.3175C>T (NM_001130144.2); short protein forms R942C, R1059C.
Identifiers: ClinVar variation 2188319 (VCV002188319.5), dbSNP rs1371757289, ClinGen allele CA381267477.